The following is an entry in ClinVar:

ClinVar aggregate classification (germline): Uncertain significance (1 of 4 stars; one submission).

Conditions:
Parenti-mignot neurodevelopmental syndrome. Identifiers: MedGen C5676984, MONDO:0859249, OMIM 619873.

Submission:

Institute of Human Genetics, University of Leipzig Medical Center
Classification: Uncertain significance for Parenti-mignot neurodevelopmental syndrome. Last evaluated: 2024-11-28. Review status: criteria provided, single submitter. Criteria: ACMG Guidelines, 2015. Collection method: clinical testing. Allele origin: unknown. Inheritance: Autosomal dominant inheritance. Affected: yes.
Comment: Criteria applied: PM2,PM1_SUP,PP2,PP3

NM_015557.3(CHD5):c.2584G>T (p.Val862Phe)

Gene: CHD5 (chromodomain helicase DNA binding protein 5; minus strand). Cytogenetic location: 1p36.31.
Variant type: single nucleotide variant.
Coding change: c.2584G>T on transcript NM_015557.3 (MANE Select); coding-DNA position 2584, G replaced by T.
Protein change: p.Val862Phe; replaces valine 862 with phenylalanine.
Molecular consequence: missense variant.
Genome position (GRCh38, 1-based): chr1:6,136,629, C>A on the plus strand (G>T on the coding strand, the complement: CHD5 is on the minus strand). VCF-style: chr1-6136629-C-A. GRCh37 (hg19) VCF-style: chr1-6196689-C-A.
Other names: short protein forms V862F.
Identifiers: ClinVar variation 3385378 (VCV003385378.2).